The following is an entry in ClinVar:

NM_006488.3(KHK):c.462C>T (p.Asp154=)

Gene: KHK (ketohexokinase; plus strand). Cytogenetic location: 2p23.3.
Variant type: single nucleotide variant.
Coding change: c.462C>T on transcript NM_006488.3 (MANE Select); coding-DNA position 462, C replaced by T.
Protein change: p.Asp154=; no amino-acid change (aspartic acid 154 retained).
Molecular consequence: synonymous variant.
Genome position (GRCh38, 1-based): chr2:27,097,547, C>T. VCF-style: chr2-27097547-C-T. GRCh37 (hg19) VCF-style: chr2-27320415-C-T.
Other names: c.462C>T, p.Asp154= (NM_000221.3).
Identifiers: ClinVar variation 3352783 (VCV003352783.1).

ClinVar aggregate classification (germline): Likely benign (0 of 4 stars; one submission).

Conditions:
KHK-related disorder. Also called: KHK-related condition.

gnomAD v4.1: 20 of 1,613,858 alleles (0.0012%); highest among the groups gnomAD compares: South Asian, 0.0066%; no homozygotes.

Submission:

PreventionGenetics, part of Exact Sciences
Classification: Likely benign for KHK-related condition. Last evaluated: 2019-04-25. Review status: no assertion criteria provided. Collection method: clinical testing. Allele origin: germline.
Comment: This variant is classified as likely benign based on ACMG/AMP sequence variant interpretation guidelines (Richards et al. 2015 PMID: 25741868, with internal and published modifications).